The following is an entry in ClinVar:

ClinVar aggregate classification (germline): Uncertain significance (1 of 4 stars; one submission).

gnomAD v4.1: 5 of 1,614,152 alleles (0.00031%); highest among the groups gnomAD compares: East Asian, 0.0089%; no homozygotes.

Submission:

Labcorp Genetics (formerly Invitae), Labcorp
Classification: Uncertain significance. Last evaluated: 2025-02-24. Review status: criteria provided, single submitter. Criteria: Invitae Variant Classification Sherloc (09022015). Collection method: clinical testing. Allele origin: germline.
Comment: This sequence change replaces serine, which is neutral and polar, with proline, which is neutral and non-polar, at codon 1303 of the MYH3 protein (p.Ser1303Pro). This variant is not present in population databases (gnomAD no frequency). This variant has not been reported in the literature in individuals affected with MYH3-related conditions. Invitae Evidence Modeling of protein sequence and biophysical properties (such as structural, functional, and spatial information, amino acid conservation, physicochemical variation, residue mobility, and thermodynamic stability) indicates that this missense variant is not expected to disrupt MYH3 protein function with a negative predictive value of 95%. In summary, the available evidence is currently insufficient to determine the role of this variant in disease. Therefore, it has been classified as a Variant of Uncertain Significance.

NM_002470.4(MYH3):c.3907T>C (p.Ser1303Pro)

Gene: MYH3 (myosin heavy chain 3; minus strand). Cytogenetic location: 17p13.1.
Variant type: single nucleotide variant.
Coding change: c.3907T>C on transcript NM_002470.4 (MANE Select); coding-DNA position 3907, T replaced by C.
Protein change: p.Ser1303Pro; replaces serine 1303 with proline.
Molecular consequence: missense variant.
Genome position (GRCh38, 1-based): chr17:10,635,803, A>G on the plus strand (T>C on the coding strand, the complement: MYH3 is on the minus strand). VCF-style: chr17-10635803-A-G. GRCh37 (hg19) VCF-style: chr17-10539120-A-G.
Other names: short protein forms S1303P.
Identifiers: ClinVar variation 3712124 (VCV003712124.2).